The following is an entry in ClinVar:

ClinVar aggregate classification (germline): Pathogenic. Review status: criteria provided, multiple submitters, no conflicts (2 of 4 stars). 6 submissions from 6 submitters: Pathogenic (6). Last evaluated 2025-04-28.

Conditions:
Borjeson-Forssman-Lehmann syndrome (BFLS). Also called: MENTAL RETARDATION, X-LINKED, SYNDROMIC, BORJESON-FORSSMAN-LEHMANN TYPE; MENTAL RETARDATION, EPILEPSY, AND ENDOCRINE DISORDERS; BORJESON SYNDROME. Identifiers: Orphanet 127, MedGen C0265339, MONDO:0010537, OMIM 301900.
Inborn genetic diseases. Identifiers: MedGen C0950123, MeSH D030342.

Submissions (6):

Ambry Genetics
Classification: Pathogenic for Inborn genetic diseases. Last evaluated: 2025-04-28. Review status: criteria provided, single submitter. Criteria: Ambry Variant Classification Scheme 2023. Collection method: clinical testing. Allele origin: germline.
Comment: The c.820C>T (p.R274*) alteration, located in exon 8 (coding exon 7) of the PHF6 gene, consists of a C to T substitution at nucleotide position 820. This changes the amino acid from a arginine (R) to a stop codon at amino acid position 274. This alteration is expected to result in loss of function by premature protein truncation or nonsense-mediated mRNA decay. This variant was not reported in population-based cohorts in the Genome Aggregation Database (gnomAD). This variant was determined to be de novo in at least one individual with features consistent with Borjeson-Forssman-Lehmann syndrome (Zahir, 2017; Gerber, 2022). Based on the available evidence, this alteration is classified as pathogenic.

Fulgent Genetics
Classification: Pathogenic for Borjeson-Forssman-Lehmann syndrome. Last evaluated: 2024-04-05. Review status: criteria provided, single submitter. Criteria: ACMG Guidelines, 2015. Collection method: clinical testing. Allele origin: germline.

Labcorp Genetics (formerly Invitae), Labcorp
Classification: Pathogenic for Borjeson-Forssman-Lehmann syndrome. Last evaluated: 2022-07-11. Review status: criteria provided, single submitter. Criteria: Invitae Variant Classification Sherloc (09022015). Collection method: clinical testing. Allele origin: germline.
Comment: This variant is not present in population databases (gnomAD no frequency). For these reasons, this variant has been classified as Pathogenic. ClinVar contains an entry for this variant (Variation ID: 521446). This premature translational stop signal has been observed in individual(s) with clinical features of PHF6-related conditions (PMID: 28539120). This sequence change creates a premature translational stop signal (p.Arg274*) in the PHF6 gene. It is expected to result in an absent or disrupted protein product. Loss-of-function variants in PHF6 are known to be pathogenic (PMID: 12415272, 24092917, 25099957, 26648834).

GeneDx
Classification: Pathogenic. Last evaluated: 2022-06-28. Review status: criteria provided, single submitter. Criteria: GeneDx Variant Classification Process June 2021. Collection method: clinical testing. Allele origin: germline. Affected: yes.
Comment: Nonsense variant predicted to result in protein truncation or nonsense mediated decay in a gene for which loss of function is a known mechanism of disease; Not observed at significant frequency in large population cohorts (gnomAD); This variant is associated with the following publications: (PMID: 32552793, 28539120, 35662002)

Laboratorio de Genetica e Diagnostico Molecular, Hospital Israelita Albert Einstein
Classification: Pathogenic. Last evaluated: 2021-05-20. Review status: criteria provided, single submitter. Criteria: ACMG Guidelines, 2015. Collection method: clinical testing. Allele origin: germline. Affected: yes.
Comment: ACMG classification criteria: PVS1, PS4, PM2

CeGaT Center for Human Genetics Tuebingen
Classification: Pathogenic. Last evaluated: 2018-12-01. Review status: criteria provided, single submitter. Criteria: CeGaT Center For Human Genetics Tuebingen Variant Classification Criteria Version 2. Collection method: clinical testing. Allele origin: germline. Affected: yes. Observed: 2 variant alleles.

Literature cited by the submitters: PubMed 28539120 (cited by Ambry Genetics and Labcorp Genetics (formerly Invitae), Labcorp); PubMed 35662002 (cited by Ambry Genetics); PubMed 12415272 (cited by Labcorp Genetics (formerly Invitae), Labcorp); PubMed 24092917 (cited by Labcorp Genetics (formerly Invitae), Labcorp); PubMed 25099957 (cited by Labcorp Genetics (formerly Invitae), Labcorp); PubMed 26648834 (cited by Labcorp Genetics (formerly Invitae), Labcorp).

NM_001015877.2(PHF6):c.820C>T (p.Arg274Ter)

Gene: PHF6 (PHD finger protein 6; plus strand). Cytogenetic location: Xq26.2.
Variant type: single nucleotide variant.
Coding change: c.820C>T on transcript NM_001015877.2 (MANE Select); coding-DNA position 820, C replaced by T.
Protein change: p.Arg274Ter; replaces arginine 274 with a stop codon.
Molecular consequence: nonsense.
Genome position (GRCh38, 1-based): chrX:134,415,106, C>T. VCF-style: chrX-134415106-C-T. GRCh37 (hg19) VCF-style: chrX-133549136-C-T.
Other names: c.823C>T, p.Arg275Ter (LRG_629t2, NM_032335.3); c.820C>T, p.Arg274Ter (NM_032458.3); short protein forms R274*, R275*.
Identifiers: ClinVar variation 521446 (VCV000521446.52), dbSNP rs1556019107, ClinGen allele CA414713313.